The following is an entry in ClinVar:

NM_001372044.2(SHANK3):c.901G>C (p.Gly301Arg)

Gene: SHANK3 (SH3 and multiple ankyrin repeat domains 3; plus strand). Cytogenetic location: 22q13.33.
Variant type: single nucleotide variant.
Coding change: c.901G>C on transcript NM_001372044.2 (MANE Select); coding-DNA position 901, G replaced by C.
Protein change: p.Gly301Arg; replaces glycine 301 with arginine.
Molecular consequence: missense variant.
Genome position (GRCh38, 1-based): chr22:50,679,094, G>C. VCF-style: chr22-50679094-G-C. GRCh37 (hg19) VCF-style: chr22-51117522-G-C.
Other names: c.676G>C, p.Gly226Arg (NM_033517.1); short protein forms G226R, G301R.
Identifiers: ClinVar variation 2653412 (VCV002653412.24), dbSNP rs376052858, ClinGen allele CA325560388.
Genomic context (GRCh38, chr22:50,679,094, plus strand): 5'-GGGGCTTCACCTGACTACAAGGACAGCCGCGGCTTGACACCCCTCTACCACAGCGCCCTG[G>C]GGGGTGGGGATGCCCTCTGCTGTGAGCTGCTTCTCCACGACCACGCTCAGCTGGGGATCA-3'
Protein context (NP_001358973.1, residues 291-311): GLTPLYHSAL[Gly301Arg]GGDALCCELL

ClinVar aggregate classification (germline): Uncertain significance (1 of 4 stars; one submission).

Allele frequency attached by ClinVar (database versions not stated): ESP Exome Variant Server 0.00008.

Submission:

CeGaT Center for Human Genetics Tuebingen
Classification: Uncertain significance. Last evaluated: 2023-08-01. Review status: criteria provided, single submitter. Criteria: CeGaT Center For Human Genetics Tuebingen Variant Classification Criteria Version 2. Collection method: clinical testing. Allele origin: germline. Affected: yes. Observed: 1 variant allele.
Comment: SHANK3: PM2:Supporting, PP2